The following is an entry in ClinVar:

ClinVar aggregate classification (germline): Uncertain significance. Review status: criteria provided, multiple submitters, no conflicts (2 of 4 stars). 2 submissions from 2 submitters: Uncertain significance (2). Last evaluated 2025-11-09.

Conditions:
Familial adenomatous polyposis 1 (FAP1). Also called: FAMILIAL ADENOMATOUS POLYPOSIS 1, ATTENUATED; POLYPOSIS, ADENOMATOUS INTESTINAL. Identifiers: MedGen C2713442, MONDO:0021056, OMIM 175100. Disease mechanism: loss of function.
Hereditary cancer-predisposing syndrome. Also called: Hereditary Cancer Syndrome; Hereditary neoplastic syndrome; Tumor predisposition; Neoplastic Syndromes, Hereditary. Identifiers: Orphanet 140162, MedGen C0027672, MeSH D009386, MONDO:0015356.

Submissions (2):

Labcorp Genetics (formerly Invitae), Labcorp
Classification: Uncertain significance for Familial adenomatous polyposis 1. Last evaluated: 2025-11-09. Review status: criteria provided, single submitter. Criteria: Invitae Variant Classification Sherloc (09022015). Collection method: clinical testing. Allele origin: germline.
Comment: This sequence change replaces proline, which is neutral and non-polar, with arginine, which is basic and polar, at codon 1941 of the APC protein (p.Pro1941Arg). This variant is not present in population databases (gnomAD no frequency). This variant has not been reported in the literature in individuals affected with APC-related conditions. ClinVar contains an entry for this variant (Variation ID: 844170). Invitae Evidence Modeling of protein sequence and biophysical properties (such as structural, functional, and spatial information, amino acid conservation, physicochemical variation, residue mobility, and thermodynamic stability) indicates that this missense variant is not expected to disrupt APC protein function with a negative predictive value of 95%. In summary, the available evidence is currently insufficient to determine the role of this variant in disease. Therefore, it has been classified as a Variant of Uncertain Significance.

Ambry Genetics
Classification: Uncertain significance for Hereditary cancer-predisposing syndrome. Last evaluated: 2021-04-22. Review status: criteria provided, single submitter. Criteria: Ambry Variant Classification Scheme 2023. Collection method: clinical testing. Allele origin: germline.
Comment: The p.P1941R variant (also known as c.5822C>G), located in coding exon 15 of the APC gene, results from a C to G substitution at nucleotide position 5822. The proline at codon 1941 is replaced by arginine, an amino acid with dissimilar properties. This amino acid position is not well conserved in available vertebrate species. In addition, in silico predictors for this gene do not accurately predict pathogenicity. Since supporting evidence is limited at this time, the clinical significance of this alteration remains unclear.

NM_000038.6(APC):c.5822C>G (p.Pro1941Arg)

Gene: APC (APC regulator of Wnt signaling pathway; plus strand). Cytogenetic location: 5q22.2.
Variant type: single nucleotide variant.
Coding change: c.5822C>G on transcript NM_000038.6 (MANE Select); coding-DNA position 5822, C replaced by G.
Protein change: p.Pro1941Arg; replaces proline 1941 with arginine.
Molecular consequence: missense variant.
Genome position (GRCh38, 1-based): chr5:112,841,416, C>G. VCF-style: chr5-112841416-C-G. GRCh37 (hg19) VCF-style: chr5-112177113-C-G.
Other names: c.5822C>G, p.Pro1941Arg (NM_001127510.3, NM_001354895.2); c.5768C>G, p.Pro1923Arg (NM_001127511.3); c.5876C>G, p.Pro1959Arg (NM_001354896.2); c.5852C>G, p.Pro1951Arg (NM_001354897.2); c.5747C>G, p.Pro1916Arg (NM_001354898.2); c.5738C>G, p.Pro1913Arg (NM_001354899.2); c.5699C>G, p.Pro1900Arg (NM_001354900.2); c.5645C>G, p.Pro1882Arg (NM_001354901.2); and 5 more; short protein forms P1658R, P1815R, P1840R, P1850R, P1882R, P1916R, P1923R, P1951R.
Identifiers: ClinVar variation 844170 (VCV000844170.13), dbSNP rs1766056653, ClinGen allele CA16034068.
Genomic context (GRCh38, chr5:112,841,416, plus strand): 5'-GTCAGCCTAAACCCATACTTCAGAAACAATCCACTTTTCCCCAGTCATCCAAAGACATAC[C>G]AGACAGAGGGGCAGCAACTGATGAAAAGTTACAGAATTTTGCTATTGAAAATACTCCGGT-3'
Protein context (NP_000029.2, residues 1931-1951): STFPQSSKDI[Pro1941Arg]DRGAATDEKL